The following is an entry in ClinVar:

ClinVar aggregate classification (germline): Uncertain significance (1 of 4 stars; one submission).

Submission:

Labcorp Genetics (formerly Invitae), Labcorp
Classification: Uncertain significance. Last evaluated: 2026-01-31. Review status: criteria provided, single submitter. Criteria: Invitae Variant Classification Sherloc (09022015). Collection method: clinical testing. Allele origin: germline.
Comment: This sequence change replaces glutamine, which is neutral and polar, with glutamic acid, which is acidic and polar, at codon 219 of the BRD4 protein (p.Gln219Glu). This variant is not present in population databases (gnomAD no frequency). This variant has not been reported in the literature in individuals affected with BRD4-related conditions. Invitae Evidence Modeling of protein sequence and biophysical properties (such as structural, functional, and spatial information, amino acid conservation, physicochemical variation, residue mobility, and thermodynamic stability) indicates that this missense variant is not expected to disrupt BRD4 protein function with a negative predictive value of 80%. In summary, the available evidence is currently insufficient to determine the role of this variant in disease. Therefore, it has been classified as a Variant of Uncertain Significance.

NM_001379291.1(BRD4):c.655C>G (p.Gln219Glu)

Gene: BRD4 (bromodomain containing 4; minus strand). Cytogenetic location: 19p13.12.
Variant type: single nucleotide variant.
Coding change: c.655C>G on transcript NM_001379291.1 (MANE Select); coding-DNA position 655, C replaced by G.
Protein change: p.Gln219Glu; replaces glutamine 219 with glutamic acid.
Molecular consequence: missense variant.
Genome position (GRCh38, 1-based): chr19:15,265,548, G>C on the plus strand (C>G on the coding strand, the complement: BRD4 is on the minus strand). VCF-style: chr19-15265548-G-C. GRCh37 (hg19) VCF-style: chr19-15376359-G-C.
Other names: c.655C>G, p.Gln219Glu (NM_001330384.2, NM_001379292.1, NM_014299.3 and 1 more transcripts); short protein forms Q219E.
Identifiers: ClinVar variation 4780882 (VCV004780882.1).